The following is an entry in ClinVar:

NM_001354930.2(RIPK1):c.1862G>A (p.Arg621Gln)

Gene: RIPK1 (receptor interacting serine/threonine kinase 1; plus strand). Cytogenetic location: 6p25.2.
Variant type: single nucleotide variant.
Coding change: c.1862G>A on transcript NM_001354930.2 (MANE Select); coding-DNA position 1862, G replaced by A.
Protein change: p.Arg621Gln; replaces arginine 621 with glutamine.
Molecular consequence: missense variant.
Genome position (GRCh38, 1-based): chr6:3,113,185, G>A. VCF-style: chr6-3113185-G-A. GRCh37 (hg19) VCF-style: chr6-3113419-G-A.
Other names: c.1724G>A, p.Arg575Gln (NM_001354931.2); c.1373G>A, p.Arg458Gln (NM_001354932.2, NM_001354933.2, NM_001354934.2 and 1 more transcripts); c.1862G>A, p.Arg621Gln (NM_003804.6); short protein forms R575Q, R458Q, R621Q.
Identifiers: ClinVar variation 1034027 (VCV001034027.6), dbSNP rs780239674, ClinGen allele CA3618533.

ClinVar aggregate classification (germline): Uncertain significance. Review status: criteria provided, multiple submitters, no conflicts (2 of 4 stars). 3 submissions from 3 submitters: Uncertain significance (3). Last evaluated 2023-12-15.

Conditions:
Immunodeficiency 57. Also called: IMMUNODEFICIENCY 57 WITH AUTOINFLAMMATION. Identifiers: MedGen C4748212, MONDO:0020849, OMIM 618108.
Inborn genetic diseases. Identifiers: MedGen C0950123, MeSH D030342.

Allele frequency attached by ClinVar (database versions not stated): ExAC 0.00001; gnomAD exomes 0.00002; TOPMed 0.00002; gnomAD 0.00004 and 0.00005.
gnomAD v4.1: 17 of 1,613,884 alleles (0.0011%); highest among the groups gnomAD compares: Admixed American, 0.013%; no homozygotes.

Submissions (3):

Labcorp Genetics (formerly Invitae), Labcorp
Classification: Uncertain significance. Last evaluated: 2023-12-15. Review status: criteria provided, single submitter. Criteria: Invitae Variant Classification Sherloc (09022015). Collection method: clinical testing. Allele origin: germline.
Comment: This sequence change replaces arginine, which is basic and polar, with glutamine, which is neutral and polar, at codon 621 of the RIPK1 protein (p.Arg621Gln). This variant is present in population databases (rs780239674, gnomAD 0.01%). This variant has not been reported in the literature in individuals affected with RIPK1-related conditions. ClinVar contains an entry for this variant (Variation ID: 1034027). An algorithm developed to predict the effect of missense changes on protein structure and function (PolyPhen-2) suggests that this variant is likely to be disruptive. In summary, the available evidence is currently insufficient to determine the role of this variant in disease. Therefore, it has been classified as a Variant of Uncertain Significance.

Ambry Genetics
Classification: Uncertain significance for Inborn genetic diseases. Last evaluated: 2023-08-15. Review status: criteria provided, single submitter. Criteria: Ambry Variant Classification Scheme 2023. Collection method: clinical testing. Allele origin: germline.

Baylor Genetics
Classification: Uncertain significance for Immunodeficiency 57. Last evaluated: 2018-11-11. Review status: criteria provided, single submitter. Criteria: ACMG Guidelines, 2015. Collection method: clinical testing. Allele origin: paternal. Affected: yes.
Comment: This variant was determined to be of uncertain significance according to ACMG Guidelines, 2015 [PMID:25741868].